The following is an entry in ClinVar:

NM_001440.4(EXTL3):c.1466G>T (p.Arg489Leu)

Gene: EXTL3 (exostosin like glycosyltransferase 3; plus strand). Cytogenetic location: 8p21.1.
Variant type: single nucleotide variant.
Coding change: c.1466G>T on transcript NM_001440.4 (MANE Select); coding-DNA position 1466, G replaced by T.
Protein change: p.Arg489Leu; replaces arginine 489 with leucine.
Molecular consequence: missense variant.
Genome position (GRCh38, 1-based): chr8:28,717,525, G>T. VCF-style: chr8-28717525-G-T. GRCh37 (hg19) VCF-style: chr8-28575042-G-T.
Other names: short protein forms R489L.
Identifiers: ClinVar variation 1465286 (VCV001465286.8), dbSNP rs781097911, ClinGen allele CA370859655.

ClinVar aggregate classification (germline): Uncertain significance (1 of 4 stars; one submission).

Submission:

Labcorp Genetics (formerly Invitae), Labcorp
Classification: Uncertain significance. Last evaluated: 2025-11-24. Review status: criteria provided, single submitter. Criteria: Invitae Variant Classification Sherloc (09022015). Collection method: clinical testing. Allele origin: germline.
Comment: This sequence change replaces arginine, which is basic and polar, with leucine, which is neutral and non-polar, at codon 489 of the EXTL3 protein (p.Arg489Leu). This variant is not present in population databases (gnomAD no frequency). This variant has not been reported in the literature in individuals affected with EXTL3-related conditions. ClinVar contains an entry for this variant (Variation ID: 1465286). Invitae Evidence Modeling of protein sequence and biophysical properties (such as structural, functional, and spatial information, amino acid conservation, physicochemical variation, residue mobility, and thermodynamic stability) has been performed for this missense variant. However, the output from this modeling did not meet the statistical confidence thresholds required to predict the impact of this variant on EXTL3 protein function. In summary, the available evidence is currently insufficient to determine the role of this variant in disease. Therefore, it has been classified as a Variant of Uncertain Significance.